The following is an entry in ClinVar:

NM_001048174.2(MUTYH):c.367G>C (p.Gly123Arg)

Gene: MUTYH (mutY DNA glycosylase; minus strand). Cytogenetic location: 1p34.1.
Variant type: single nucleotide variant.
Coding change: c.367G>C on transcript NM_001048174.2 (MANE Select); coding-DNA position 367, G replaced by C.
Protein change: p.Gly123Arg; replaces glycine 123 with arginine.
Molecular consequence: missense variant. On other transcripts: non-coding transcript variant (1), intron variant (2).
Genome position (GRCh38, 1-based): chr1:45,333,108, C>G on the plus strand (G>C on the coding strand, the complement: MUTYH is on the minus strand). VCF-style: chr1-45333108-C-G. GRCh37 (hg19) VCF-style: chr1-45798780-C-G.
Other names: c.367G>C, p.Gly123Arg (NM_001048171.2, NM_001048173.2, NM_001293195.2); c.370G>C, p.Gly124Arg (NM_001048172.2); c.451G>C, p.Gly151Arg (NM_001128425.2); c.412G>C, p.Gly138Arg (NM_001293190.2); c.400G>C, p.Gly134Arg (NM_001293191.2); c.91G>C, p.Gly31Arg (NM_001293192.2, NM_001293196.2); c.442G>C, p.Gly148Arg (NM_012222.3); c.34-149G>C (NM_001350651.2, NM_001350650.2); short protein forms G123R, G124R, G138R, G134R, G148R, G151R, G31R.
Identifiers: ClinVar variation 639290 (VCV000639290.10), dbSNP rs587782165, ClinGen allele CA340136087.

ClinVar aggregate classification (germline): Conflicting classifications of pathogenicity. Review status: criteria provided, conflicting classifications (1 of 4 stars). 3 submissions from 3 submitters: Uncertain significance (2); Likely benign (1). Last evaluated 2023-12-13.

Conditions:
Hereditary cancer-predisposing syndrome. Also called: Neoplastic Syndromes, Hereditary; Hereditary Cancer Syndrome; Tumor predisposition; Hereditary neoplastic syndrome. Identifiers: Orphanet 140162, MedGen C0027672, MeSH D009386, MONDO:0015356.
Familial adenomatous polyposis 2. Also called: COLORECTAL ADENOMATOUS POLYPOSIS, AUTOSOMAL RECESSIVE; ADENOMAS, MULTIPLE COLORECTAL, AUTOSOMAL RECESSIVE; MUTYH-associated polyposis; MUTYH-related attenuated familial adenomatous polyposis; MUTYH Polyposis; Adenomas, multiple colorectal. Identifiers: Orphanet 220460, Orphanet 247798, MedGen C3272841, MONDO:0012041, OMIM 608456.

Submissions (3):

All of Us Research Program, National Institutes of Health
Classification: Uncertain significance for Familial adenomatous polyposis 2. Last evaluated: 2023-12-13. Review status: criteria provided, single submitter. Criteria: ACMG Guidelines, 2015. Collection method: clinical testing. Allele origin: germline. Inheritance: Autosomal recessive inheritance. Observed: 1 variant allele, 1 heterozygote.
Comment: This missense variant replaces glycine with arginine at codon 151 of the MUTYH protein. Computational prediction suggests that this variant may not impact protein structure and function (internally defined REVEL score threshold <= 0.5, PMID: 27666373). To our knowledge, functional studies have not been reported for this variant. This variant has not been reported in individuals affected with MUTYH-related disorders in the literature. This variant has not been identified in the general population by the Genome Aggregation Database (gnomAD). The available evidence is insufficient to determine the role of this variant in disease conclusively. Therefore, this variant is classified as a Variant of Uncertain Significance.

This study involves interpretation of variants in research participants for the purpose of population health screening. Participant phenotype was not available at the time of variant classification. Additional details can be found in publication PMID: 35346344, PMCID: PMC8962531

Ambry Genetics
Classification: Likely benign for Hereditary cancer-predisposing syndrome. Last evaluated: 2023-11-20. Review status: criteria provided, single submitter. Criteria: Ambry Variant Classification Scheme 2023. Collection method: clinical testing. Allele origin: germline.

Labcorp Genetics (formerly Invitae), Labcorp
Classification: Uncertain significance for Familial adenomatous polyposis 2. Last evaluated: 2018-12-19. Review status: criteria provided, single submitter. Criteria: Invitae Variant Classification Sherloc (09022015). Collection method: clinical testing. Allele origin: germline.
Comment: This sequence change replaces glycine with arginine at codon 151 of the MUTYH protein (p.Gly151Arg). The glycine residue is weakly conserved and there is a moderate physicochemical difference between glycine and arginine. This variant is not present in population databases (ExAC no frequency). This variant has not been reported in the literature in individuals with MUTYH-related conditions. Algorithms developed to predict the effect of missense changes on protein structure and function output the following: SIFT: "Tolerated"; PolyPhen-2: "Benign"; Align-GVGD: "Class C0". The arginine amino acid residue is found in multiple mammalian species, suggesting that this missense change does not adversely affect protein function. These predictions have not been confirmed by published functional studies and their clinical significance is uncertain. In summary, the available evidence is currently insufficient to determine the role of this variant in disease. Therefore, it has been classified as a Variant of Uncertain Significance.